The following is an entry in ClinVar:

ClinVar aggregate classification (germline): Conflicting classifications of pathogenicity. Review status: criteria provided, conflicting classifications (1 of 4 stars). 2 submissions from 2 submitters: Likely pathogenic (1); Uncertain significance (1). Last evaluated 2025-01-09.

Conditions:
Autosomal dominant nonsyndromic hearing loss 9. Identifiers: Orphanet 90635, MedGen C1832425, MONDO:0011058, OMIM 601369.

Allele frequency attached by ClinVar (database versions not stated): gnomAD exomes 0.00001; ExAC 0.00002.

Submissions (2):

Institute of Rare Diseases, West China Hospital, Sichuan University
Classification: Likely pathogenic for Autosomal dominant nonsyndromic hearing loss 9. Last evaluated: 2025-01-09. Review status: criteria provided, single submitter. Criteria: ClinGen HL ACMG Specifications v1. Collection method: research. Allele origin: germline. Affected: yes.
Comment: PM1;PM5;PM2_Supporting;PP3

Laboratory for Molecular Medicine, Mass General Brigham Personalized Medicine
Classification: Uncertain significance. Last evaluated: 2013-06-18. Review status: criteria provided, single submitter. Criteria: LMM Criteria. Collection method: clinical testing. Allele origin: germline. Observed: 1 variant allele.
Comment: Variant classified as Uncertain Significance - Favor Benign. The Gly88Val varian t in COCH has not been reported in individuals with hearing loss or in large pop ulation studies. Computational analyses (biochemical amino acid properties, cons ervation, AlignGVGD, PolyPhen2, and SIFT) suggest that the Gly88Val variant may impact the protein, though this information is not predictive enough to determin e pathogenicity. A similar variant at this position, Gly88Glu, has been reported as pathogenic in the literature (Robertson 1998; Jao 2012), though this change may not reflect the impact of the more conservative Gly to Val change. In summar y, additional data is needed to determine the clinical significance of this vari ant.

Literature cited by the submitters: PubMed 9806553 (cited by Laboratory for Molecular Medicine, Mass General Brigham Personalized Medicine); PubMed 20228067 (cited by Laboratory for Molecular Medicine, Mass General Brigham Personalized Medicine).

NM_004086.3(COCH):c.263G>T (p.Gly88Val)

Genes: COCH-AS1 (COCH antisense RNA 1; minus strand), COCH (cochlin; plus strand). Cytogenetic location: 14q12.
Variant type: single nucleotide variant.
Coding change: c.263G>T on transcript NM_004086.3 (MANE Select); coding-DNA position 263, G replaced by T.
Protein change: p.Gly88Val; replaces glycine 88 with valine.
Molecular consequence: missense variant.
Genome position (GRCh38, 1-based): chr14:30,878,834, G>T. VCF-style: chr14-30878834-G-T. GRCh37 (hg19) VCF-style: chr14-31348040-G-T.
Other names: c.263G>T, p.Gly88Val (NM_001135058.2); c.458G>T, p.Gly153Val (NM_001347720.2); short protein forms G88V, G153V.
Identifiers: ClinVar variation 178988 (VCV000178988.5), dbSNP rs121908928, ClinGen allele CA183442.